The following is an entry in ClinVar:

ClinVar aggregate classification (germline): Uncertain significance. Review status: criteria provided, multiple submitters, no conflicts (2 of 4 stars). 2 submissions from 2 submitters: Uncertain significance (2). Last evaluated 2024-01-02.

Conditions:
Familial hemophagocytic lymphohistiocytosis 5. Also called: STXBP2-Related Familial Hemophagocytic Lymphohistiocytosis (STXBP2-fHLH). Identifiers: Orphanet 540, MedGen C2751293, MONDO:0013135, OMIM 613101.
Inborn genetic diseases. Identifiers: MedGen C0950123, MeSH D030342.

Allele frequency attached by ClinVar (database versions not stated): gnomAD 0.00001; TOPMed 0.00002.
gnomAD v4.1: 11 of 1,613,282 alleles (0.00068%); highest among the groups gnomAD compares: Admixed American, 0.0067%; no homozygotes.

Submissions (2):

Ambry Genetics
Classification: Uncertain significance for Inborn genetic diseases. Last evaluated: 2024-01-02. Review status: criteria provided, single submitter. Criteria: Ambry Variant Classification Scheme 2023. Collection method: clinical testing. Allele origin: germline.

Labcorp Genetics (formerly Invitae), Labcorp
Classification: Uncertain significance for Familial hemophagocytic lymphohistiocytosis 5. Last evaluated: 2022-08-16. Review status: criteria provided, single submitter. Criteria: Invitae Variant Classification Sherloc (09022015). Collection method: clinical testing. Allele origin: germline.
Comment: This sequence change replaces glycine, which is neutral and non-polar, with serine, which is neutral and polar, at codon 517 of the STXBP2 protein (p.Gly517Ser). This variant is present in population databases (rs200026300, gnomAD 0.01%). This variant has not been reported in the literature in individuals affected with STXBP2-related conditions. ClinVar contains an entry for this variant (Variation ID: 1509617). Algorithms developed to predict the effect of missense changes on protein structure and function are either unavailable or do not agree on the potential impact of this missense change (SIFT: "Tolerated"; PolyPhen-2: "Probably Damaging"; Align-GVGD: "Class C0"). In summary, the available evidence is currently insufficient to determine the role of this variant in disease. Therefore, it has been classified as a Variant of Uncertain Significance.

NM_006949.4(STXBP2):c.1549G>A (p.Gly517Ser)

Gene: STXBP2 (syntaxin binding protein 2; plus strand). Cytogenetic location: 19p13.2.
Variant type: single nucleotide variant.
Coding change: c.1549G>A on transcript NM_006949.4 (MANE Select); coding-DNA position 1549, G replaced by A.
Protein change: p.Gly517Ser; replaces glycine 517 with serine.
Molecular consequence: missense variant. On other transcripts: non-coding transcript variant (1).
Genome position (GRCh38, 1-based): chr19:7,647,364, G>A. VCF-style: chr19-7647364-G-A. GRCh37 (hg19) VCF-style: chr19-7712250-G-A.
Other names: c.1540G>A, p.Gly514Ser (NM_001127396.3); c.1582G>A, p.Gly528Ser (NM_001272034.2); c.1549G>A (NM_006949.2); short protein forms G514S, G517S, G528S.
Identifiers: ClinVar variation 1509617 (VCV001509617.6), dbSNP rs200026300, ClinGen allele CA9144259.